The following is an entry in ClinVar:

NM_201384.3(PLEC):c.8974A>G (p.Ile2992Val)

Gene: PLEC (plectin; minus strand). Cytogenetic location: 8q24.3.
Variant type: single nucleotide variant.
Coding change: c.8974A>G on transcript NM_201384.3 (MANE Select); coding-DNA position 8974, A replaced by G.
Protein change: p.Ile2992Val; replaces isoleucine 2992 with valine.
Molecular consequence: missense variant.
Genome position (GRCh38, 1-based): chr8:143,920,847, T>C on the plus strand (A>G on the coding strand, the complement: PLEC is on the minus strand). VCF-style: chr8-143920847-T-C. GRCh37 (hg19) VCF-style: chr8-144995015-T-C.
Other names: c.9055A>G, p.Ile3019Val (NM_000445.5); c.5674A>G, p.Ile1892Val (NM_001410941.1); c.8932A>G, p.Ile2978Val (NM_201378.4); c.8908A>G, p.Ile2970Val (NM_201379.3); c.9385A>G, p.Ile3129Val (NM_201380.4); c.8878A>G, p.Ile2960Val (NM_201381.3); c.8974A>G, p.Ile2992Val (NM_201382.4); c.8986A>G, p.Ile2996Val (NM_201383.3); short protein forms I2970V, I3129V, I2978V, I2992V, I2996V, I1892V, I2960V, I3019V.
Identifiers: ClinVar variation 4989888 (VCV004989888.1).

ClinVar aggregate classification (germline): Uncertain significance (1 of 4 stars; one submission).

Conditions:
PLEC-related disorder. Also called: PLEC-related disorders; PLEC-related condition.

gnomAD v4.1: 3 of 1,609,556 alleles (0.00019%); highest among the groups gnomAD compares: Non-Finnish European, 0.000085%; no homozygotes.

Submission:

PreventionGenetics, part of Exact Sciences
Classification: Uncertain significance for PLEC-related condition. Last evaluated: 2026-04-17. Review status: criteria provided, single submitter. Criteria: ACMG Guidelines, 2015. Collection method: clinical testing. Allele origin: germline.
Comment: The PLEC c.9055A>G variant is predicted to result in the amino acid substitution p.Ile3019Val. To our knowledge, this variant has not been reported in the literature or in a large population database (gnomAD), indicating this variant is rare. At this time, the clinical significance of this variant is uncertain due to the absence of conclusive functional and genetic evidence.